The following is an entry in ClinVar:

NC_000002.11:g.(?_62067530)_(62072255_?)del

Gene: FAM161A (FAM161 centrosomal protein A; minus strand). Cytogenetic location: 2p15.
Variant type: Deletion.
Identifiers: ClinVar variation 1516707 (VCV001516707.5).

ClinVar aggregate classification (germline): Likely pathogenic (1 of 4 stars; one submission).

Submission:

Labcorp Genetics (formerly Invitae), Labcorp
Classification: Likely pathogenic. Last evaluated: 2022-06-05. Review status: criteria provided, single submitter. Criteria: Invitae Variant Classification Sherloc (09022015). Collection method: clinical testing. Allele origin: germline.
Comment: In summary, the currently available evidence indicates that the variant is pathogenic, but additional data are needed to prove that conclusively. Therefore, this variant has been classified as Likely Pathogenic. This variant has not been reported in the literature in individuals affected with FAM161A-related conditions. This variant results in the deletion of exon 2 and part of exon 3 (c.184-2760_609del) of the FAM161A gene. It is expected to disrupt RNA splicing. Variants that disrupt the donor or acceptor splice site typically lead to a loss of protein function (PMID: 16199547), and loss-of-function variants in FAM161A are known to be pathogenic (PMID: 20705278, 20705279, 24651477).

Literature cited by the submitters: PubMed 16199547; PubMed 20705278; PubMed 20705279; PubMed 24651477.